The following is an entry in ClinVar:

NM_002474.3(MYH11):c.4365+3A>G

Genes: NDE1 (nudE neurodevelopment protein 1; plus strand), MYH11 (myosin heavy chain 11; minus strand). Cytogenetic location: 16p13.11.
Variant type: single nucleotide variant.
Coding change: c.4365+3A>G on transcript NM_002474.3 (MANE Select); 3 bases into the intron after coding-DNA position 4365, A replaced by G.
Molecular consequence: intron variant.
Genome position (GRCh38, 1-based): chr16:15,724,158, T>C on the plus strand (A>G on the coding strand, the complement: MYH11 is on the minus strand). VCF-style: chr16-15724158-T-C. GRCh37 (hg19) VCF-style: chr16-15818015-T-C.
Other names: c.948-33T>C (NM_001143979.2, NM_017668.3); c.4365+3A>G (NM_022844.3); c.4386+3A>G (NM_001040114.2, NM_001040113.2).
Identifiers: ClinVar variation 4757388 (VCV004757388.1).

ClinVar aggregate classification (germline): Uncertain significance (1 of 4 stars; one submission).

Conditions:
Familial thoracic aortic aneurysm and aortic dissection (TAAD). Also called: Thoracic aortic aneurysms and dissections. Identifiers: Orphanet 91387, MedGen C4707243, MONDO:0019625.

gnomAD v4.1: 1 of 1,613,208 alleles (0.000062%); highest among the groups gnomAD compares: East Asian, 0.0022%; no homozygotes.

Submission:

Color Diagnostics, LLC DBA Color Health
Classification: Uncertain significance for Familial thoracic aortic aneurysm and aortic dissection. Last evaluated: 2025-06-30. Review status: criteria provided, single submitter. Criteria: ACMG Guidelines, 2015. Collection method: clinical testing. Allele origin: germline.
Comment: This variant causes an A to G nucleotide substitution at the +3 position of intron 32/42 of the MYH11 gene. To our knowledge, functional studies have not been reported for this variant. This variant has not been reported in individuals affected with MYH11-related disorders in the literature. This variant has not been identified in the general population by the Genome Aggregation Database (gnomAD). The available evidence is insufficient to determine the role of this variant in disease conclusively. Therefore, this variant is classified as a Variant of Uncertain Significance.